The following is an entry in ClinVar:

NM_001130823.3(DNMT1):c.1602C>G (p.Ser534Arg)

Gene: DNMT1 (DNA methyltransferase 1; minus strand). Cytogenetic location: 19p13.2.
Variant type: single nucleotide variant.
Coding change: c.1602C>G on transcript NM_001130823.3 (MANE Select); coding-DNA position 1602, C replaced by G.
Protein change: p.Ser534Arg; replaces serine 534 with arginine.
Molecular consequence: missense variant.
Genome position (GRCh38, 1-based): chr19:10,154,947, G>C on the plus strand (C>G on the coding strand, the complement: DNMT1 is on the minus strand). VCF-style: chr19-10154947-G-C. GRCh37 (hg19) VCF-style: chr19-10265623-G-C.
Other names: c.1554C>G, p.Ser518Arg (NM_001318730.2, NM_001379.4); c.1239C>G, p.Ser413Arg (NM_001318731.2); short protein forms S413R, S518R, S534R.
Identifiers: ClinVar variation 3767654 (VCV003767654.1).

ClinVar aggregate classification (germline): Uncertain significance (1 of 4 stars; one submission).

Submission:

GeneDx
Classification: Uncertain significance. Last evaluated: 2024-09-10. Review status: criteria provided, single submitter. Criteria: GeneDx Variant Classification Process June 2021. Collection method: clinical testing. Allele origin: germline. Affected: yes.
Comment: Not observed at significant frequency in large population cohorts (gnomAD); In silico analysis indicates that this missense variant does not alter protein structure/function; Has not been previously published as pathogenic or benign to our knowledge; This variant is associated with the following publications: (PMID: 25942534, 25678562, 23521649)